The following is an entry in ClinVar:

ClinVar aggregate classification (germline): Pathogenic (1 of 4 stars; one submission).

Conditions:
Primary ciliary dyskinesia. Also called: Ciliary dyskinesia. Identifiers: Orphanet 244, MedGen C0008780, MONDO:0016575, HP:0012265.

Submission:

Labcorp Genetics (formerly Invitae), Labcorp
Classification: Pathogenic for Primary ciliary dyskinesia. Last evaluated: 2024-02-04. Review status: criteria provided, single submitter. Criteria: Invitae Variant Classification Sherloc (09022015). Collection method: clinical testing. Allele origin: germline.
Comment: This sequence change creates a premature translational stop signal (p.Leu662Cysfs*28) in the DNAI1 gene. While this is not anticipated to result in nonsense mediated decay, it is expected to disrupt the last 38 amino acid(s) of the DNAI1 protein. This variant is not present in population databases (gnomAD no frequency). This variant has not been reported in the literature in individuals affected with DNAI1-related conditions. This variant disrupts a region of the DNAI1 protein in which other variant(s) (p.Lys667Asnfs*24) have been determined to be pathogenic (Invitae). This suggests that this is a clinically significant region of the protein, and that variants that disrupt it are likely to be disease-causing. For these reasons, this variant has been classified as Pathogenic.

NM_012144.4(DNAI1):c.1985del (p.Leu662fs)

Gene: DNAI1 (dynein axonemal intermediate chain 1; plus strand). Cytogenetic location: 9p13.3.
Variant type: Deletion.
Coding change: c.1985del on transcript NM_012144.4 (MANE Select); coding-DNA position 1985, one base deleted (T; older notation c.1985delT).
Protein change: p.Leu662fs; shifts the reading frame from leucine 662.
Molecular consequence: frameshift variant.
Genome position (GRCh38, 1-based): chr9:34,517,451, T deleted; the last of 3 consecutive T bases (chr9:34,517,449-34,517,451); deleting any one gives the same sequence. VCF-style (leftmost placement, unchanged base first): chr9-34517448-AT-A. GRCh37 (hg19) VCF-style: chr9-34517446-AT-A.
Other names: c.1997del, p.Leu666fs (NM_001281428.2); short protein forms L666fs, L662fs.
Identifiers: ClinVar variation 3683737 (VCV003683737.2).